The following is an entry in ClinVar:

ClinVar aggregate classification (germline): Uncertain significance (1 of 4 stars; one submission).

gnomAD v4.1: 7 of 1,613,806 alleles (0.00043%); highest among the groups gnomAD compares: Non-Finnish European, 0.00059%; no homozygotes.

Submission:

GeneDx
Classification: Uncertain significance. Last evaluated: 2024-02-12. Review status: criteria provided, single submitter. Criteria: GeneDx Variant Classification Process June 2021. Collection method: clinical testing. Allele origin: germline. Affected: yes.
Comment: In silico analysis supports that this missense variant does not alter protein structure/function; Has not been previously published as pathogenic or benign to our knowledge; Variants in candidate genes are classified as variants of uncertain significance in accordance with ACMG guidelines (PMID: 25741868)

NM_002253.4(KDR):c.2471C>G (p.Ala824Gly)

Gene: KDR (kinase insert domain receptor; minus strand). Cytogenetic location: 4q12.
Variant type: single nucleotide variant.
Coding change: c.2471C>G on transcript NM_002253.4 (MANE Select); coding-DNA position 2471, C replaced by G.
Protein change: p.Ala824Gly; replaces alanine 824 with glycine.
Molecular consequence: missense variant.
Genome position (GRCh38, 1-based): chr4:55,098,175, G>C on the plus strand (C>G on the coding strand, the complement: KDR is on the minus strand). VCF-style: chr4-55098175-G-C. GRCh37 (hg19) VCF-style: chr4-55964342-G-C.
Other names: short protein forms A824G.
Identifiers: ClinVar variation 4075514 (VCV004075514.1).